The following is an entry in ClinVar:

NM_001130009.3(GEN1):c.622G>A (p.Asp208Asn)

Gene: GEN1 (GEN1 structure-specific endonuclease; plus strand). Cytogenetic location: 2p24.2.
Variant type: single nucleotide variant.
Coding change: c.622G>A on transcript NM_001130009.3 (MANE Select); coding-DNA position 622, G replaced by A.
Protein change: p.Asp208Asn; replaces aspartic acid 208 with asparagine.
Molecular consequence: missense variant.
Genome position (GRCh38, 1-based): chr2:17,766,675, G>A. VCF-style: chr2-17766675-G-A. GRCh37 (hg19) VCF-style: chr2-17947942-G-A.
Other names: c.622G>A, p.Asp208Asn (NM_182625.5); short protein forms D208N.
Identifiers: ClinVar variation 1430952 (VCV001430952.8), dbSNP rs747675661, ClinGen allele CA1540484.
Genomic context (GRCh38, chr2:17,766,675, plus strand): 5'-AAGAGTAAACTAGGTTTGGATAGAGATGCTCTGGTTGGATTAGCAATACTTCTTGGCTGT[G>A]ATTATCTCCCAAAGGTAAGCTGAAATTGTCATATTTATTTGCTATTCATAAAGTCTTTTT-3'
Protein context (NP_001123481.3, residues 198-218): LVGLAILLGC[Asp208Asn]YLPKGVPGVG

ClinVar aggregate classification (germline): Uncertain significance (1 of 4 stars; one submission).

Allele frequency attached by ClinVar (database versions not stated): gnomAD exomes 0.00001 and 0.00002; TOPMed 0.00002; gnomAD 0.00003 and 0.00004; ExAC 0.00004.
gnomAD v4.1: 16 of 1,579,904 alleles (0.001%); highest among the groups gnomAD compares: Admixed American, 0.0084%; no homozygotes.

Submission:

Labcorp Genetics (formerly Invitae), Labcorp
Classification: Uncertain significance. Last evaluated: 2024-02-15. Review status: criteria provided, single submitter. Criteria: Invitae Variant Classification Sherloc (09022015). Collection method: clinical testing. Allele origin: germline.
Comment: This sequence change replaces aspartic acid, which is acidic and polar, with asparagine, which is neutral and polar, at codon 208 of the GEN1 protein (p.Asp208Asn). This variant is present in population databases (rs747675661, gnomAD 0.006%). This variant has not been reported in the literature in individuals affected with GEN1-related conditions. ClinVar contains an entry for this variant (Variation ID: 1430952). An algorithm developed to predict the effect of missense changes on protein structure and function (PolyPhen-2) suggests that this variant is likely to be disruptive. In summary, the available evidence is currently insufficient to determine the role of this variant in disease. Therefore, it has been classified as a Variant of Uncertain Significance.